The following is an entry in ClinVar:

ClinVar aggregate classification (germline): Conflicting classifications of pathogenicity. Review status: criteria provided, conflicting classifications (1 of 4 stars). 20 submissions from 19 submitters: Pathogenic (5); Likely pathogenic (8); Uncertain significance (5). 2 of the submissions do not count toward it. Last evaluated 2026-06-30.

Conditions:
Dystonia 5 (DRD). Also called: DYT-GCH1; DYSTONIA, PROGRESSIVE, WITH DIURNAL VARIATION; DYSTONIA-PARKINSONISM WITH DIURNAL FLUCTUATION; GTP Cyclohydrolase 1-Deficient Dopa-Responsive Dystonia; Dystonia, DOPA-responsive, with or without hyperphenylalaninemia. Identifiers: Orphanet 98808, MedGen C1851920, MONDO:0007495, OMIM 128230.
GTP cyclohydrolase I deficiency with hyperphenylalaninemia (HPABH4B). Also called: HYPERPHENYLALANINEMIA, BH4-DEFICIENT, B; HYPERPHENYLALANINEMIA, TETRAHYDROBIOPTERIN-DEFICIENT, DUE TO GTP CYCLOHYDROLASE I DEFICIENCY; Hyperphenylalaninemia, tetrahydrobiopterin-deficient, due to GTP cyclohydrolase 1 deficiency. Identifiers: Orphanet 2102, Orphanet 238583, MedGen CN305333, MONDO:0100186, OMIM 233910.
Dystonia, dopa-responsive, with or without hyperphenylalaninemia, autosomal recessive. Identifiers: MedGen CN322657, MONDO:0100098.
GCH1-related disorder. Also called: GCH1-related condition.
Dopa-responsive dystonia. Identifiers: Orphanet 255, MedGen CN221588, MONDO:0016812.
Inborn genetic diseases. Identifiers: MedGen C0950123, MeSH D030342.
GTP cyclohydrolase I deficiency. Identifiers: MedGen C0268467, MONDO:0100184.

Allele frequency attached by ClinVar (database versions not stated): 1000 Genomes Project 30x 0.00031; gnomAD exomes 0.00039 and 0.00037; ExAC 0.00036; 1000 Genomes Project 0.00040; TOPMed 0.00035.
gnomAD v4.1: 606 of 1,614,128 alleles (0.038%); highest among the groups gnomAD compares: Admixed American, 0.098%; no homozygotes.

Submissions 1 to 9 of 20:

PreventionGenetics, part of Exact Sciences
Classification: Likely pathogenic for GCH1-related condition. Last evaluated: 2026-06-30. Review status: criteria provided, single submitter. Criteria: ACMG Guidelines, 2015. Collection method: clinical testing. Allele origin: germline.
Comment: The GCH1 c.671A>G variant is predicted to result in the amino acid substitution p.Lys224Arg. This variant has been reported in the compound heterozygous state with other GCH1 variants in individuals with severe autosomal recessive GTP cyclohydrolase I deficiency (Furukawa et al. 1998. PubMed ID: 9667588; Berger et al. 2022. PubMed ID: 35083481; Supplemental information, Novelli et al. 2024. PubMed ID: 39001623) and has been noted to segregate with the disorder in a family (Trender-Gerhard et al. 2009. PubMed ID: 19332422). This variant has also been reported in the heterozygous state in individuals with dopa-responsive dystonia (DRD), Parkinson disease, and other GCH1-related autosomal dominant movement disorders (Bandmann et al. 1996. PubMed ID: 8852666; Atanasoska et al. 2024. PubMed ID: 37165102; Anis et al. 2025. PubMed ID: 40617169). Although the heterozygous variant has been reported to segregate with the autosomal dominant disorder in some families (Bandmann et al. 1996. PubMed ID: 8852666; Guella et al. 2015. PubMed ID: 25497597), the variant has also been reported in the heterozygous state in clinically asymptomatic individuals (Furukawa et al. 1998. PubMed ID: 9667588; Flotats-Bastardas et al. 2018. PubMed ID: 29471552; Martínez-Rubio et al. 2022. PubMed ID: 36233161). This variant is reported in 0.087% of alleles in individuals of Latino descent in gnomAD and is predominantly classified as likely pathogenic or pathogenic in ClinVar (Variation ID: 9283). This variant is interpreted as likely pathogenic for autosomal recessive GCH1-related disorders; however, the clinical significance of this variant for autosomal dominant disorders is uncertain.

Labcorp Genetics (formerly Invitae), Labcorp
Classification: Pathogenic for GTP cyclohydrolase I deficiency; Dystonia 5. Last evaluated: 2026-01-28. Review status: criteria provided, single submitter. Criteria: Invitae Variant Classification Sherloc (09022015). Collection method: clinical testing. Allele origin: germline.
Comment: This sequence change replaces lysine, which is basic and polar, with arginine, which is basic and polar, at codon 224 of the GCH1 protein (p.Lys224Arg). This variant is present in population databases (rs41298442, gnomAD 0.08%). This missense change has been observed in individual(s) with autosomal dominant and autosomal recessive dopa-responsive dystonia (PMID: 9667588, 12391354, 15303002, 17044972, 18044725, 19332422, 25497597, 30314816, 35083481). In at least one individual the data is consistent with being in trans (on the opposite chromosome) from a pathogenic variant. It has also been observed to segregate with disease in related individuals. This missense change has also been observed in the heterozygous state in unaffected individuals, consistent with reduced penetrance (PMID: 19332422, 23430498). ClinVar contains an entry for this variant (Variation ID: 9283). Invitae Evidence Modeling of protein sequence and biophysical properties (such as structural, functional, and spatial information, amino acid conservation, physicochemical variation, residue mobility, and thermodynamic stability) indicates that this missense variant is not expected to disrupt GCH1 protein function with a negative predictive value of 80%. For these reasons, this variant has been classified as Pathogenic.

3billion
Classification: Likely pathogenic for GTP cyclohydrolase I deficiency with hyperphenylalaninemia. Last evaluated: 2026-01-13. Review status: criteria provided, single submitter. Criteria: ACMG Guidelines, 2015. Collection method: clinical testing. Allele origin: germline. Affected: yes.
Comment: The variant is observed at an extremely low frequency in the gnomAD v4.1.0 dataset (total allele frequency: 0.038%). Predicted Consequence/Location: Missense variant In silico tool predictions suggest damaging effect of the variant on gene or gene product [3Cnet: 0.86 (> 0.75, sensitivity 0.96 and precision 0.92)]. The same nucleotide change resulting in the same amino acid change has been previously reported as pathogenic/likely pathogenic with strong evidence (ClinVar ID: VCV000009283 /PMID: 8852666 /3billion dataset). The variant has been reported to be in trans with a pathogenic variant as either compound heterozygous or homozygous in at least one similarly affected unrelated individual (PMID: 9667588). Therefore, this variant is classified as Likely pathogenic according to the recommendation of ACMG/AMP guideline.

GeneDx
Classification: Uncertain significance. Last evaluated: 2025-12-02. Review status: criteria provided, single submitter. Criteria: GeneDx Variant Classification Process June 2021. Collection method: clinical testing. Allele origin: germline. Affected: yes.
Comment: Identified as a single heterozygous variant in patients with childhood or adult-onset dopa-responsive dystonia or adult-onset parkinsonism referred for genetic testing at GeneDx and in published literature, and also incidentally detected in an asymptomatic family member with low urinary neopterin levels (PMID: 23430498, 15303002, 24993959, 25497597, 12391354, 37165102, 38214203); Reported as a heterozygous variant in unrelated patients with dystonia whose asymptomatic relatives also harbored the variant (PMID: 36233161, 34890878); Observed with second GCH1 variant on the opposite allele (in trans) in a patient with gait abnormalities, wrist rigidity, dystonic posturing in the arm, curling and cramping of toes, and bradykinesia, as well as postload elevation in phenylalanine after phenylalanine loading (PMID: 35083481); In silico analysis suggests that this missense variant does not alter protein structure/function; This variant is associated with the following publications: (PMID: 17044972, 20981092, 12391354, 15303002, 8852666, 25497597, 24993959, 10984668, 19332422, 18044725, 9667588, 30894892, 30314816, 27313105, 31019283, 34426522, 35893043, 35747429, 36628429, 34674384, 23942198, 37895316, 38214203, 37165102, 34890878, 23430498, 35083481, 36233161, 40672488, 40617169, 34497580, 33152132, 36833190, 38532509, 40007153, 29471552, 39001623)

Revvity Omics, Revvity
Classification: Likely pathogenic. Last evaluated: 2025-06-11. Review status: criteria provided, single submitter. Criteria: ACMG Guidelines, 2015. Collection method: clinical testing. Allele origin: germline.

Blueprint Genetics
Classification: Uncertain significance. Last evaluated: 2024-11-06. Review status: criteria provided, single submitter. Criteria: ACMG Guidelines, 2015. Collection method: clinical testing. Allele origin: germline.

Fulgent Genetics
Classification: Pathogenic for Dystonia 5; GTP cyclohydrolase I deficiency with hyperphenylalaninemia. Last evaluated: 2024-05-06. Review status: criteria provided, single submitter. Criteria: ACMG Guidelines, 2015. Collection method: clinical testing. Allele origin: germline.

CeGaT Center for Human Genetics Tuebingen
Classification: Uncertain significance. Last evaluated: 2024-04-01. Review status: criteria provided, single submitter. Criteria: CeGaT Center For Human Genetics Tuebingen Variant Classification Criteria Version 2. Collection method: clinical testing. Allele origin: germline. Affected: yes. Observed: 3 variant alleles.

Department of Pathology and Laboratory Medicine, Sinai Health System
Classification: Likely pathogenic for Dystonia 5; GTP cyclohydrolase I deficiency with hyperphenylalaninemia. Last evaluated: 2023-11-01. Review status: criteria provided, single submitter. Criteria: ACMG Guidelines, 2015. Collection method: research. Allele origin: germline.

NM_000161.3(GCH1):c.671A>G (p.Lys224Arg)

Gene: GCH1 (GTP cyclohydrolase 1; minus strand). Cytogenetic location: 14q22.2.
Variant type: single nucleotide variant.
Coding change: c.671A>G on transcript NM_000161.3 (MANE Select); coding-DNA position 671, A replaced by G.
Protein change: p.Lys224Arg; replaces lysine 224 with arginine.
Molecular consequence: missense variant. On other transcripts: intron variant (2).
Genome position (GRCh38, 1-based): chr14:54,844,099, T>C on the plus strand (A>G on the coding strand, the complement: GCH1 is on the minus strand). VCF-style: chr14-54844099-T-C. GRCh37 (hg19) VCF-style: chr14-55310817-T-C.
Other names: c.671A>G, p.Lys224Arg (NM_001024024.2); c.627-1045A>G (NM_001024071.2); c.627-230A>G (NM_001024070.2); short protein forms K224R.
Identifiers: ClinVar variation 9283 (VCV000009283.62), dbSNP rs41298442, ClinGen allele CA120280.